The following is an entry in ClinVar:

NM_001384900.1(SEMA3D):c.1139A>T (p.Asp380Val)

Gene: SEMA3D (semaphorin 3D; minus strand). Cytogenetic location: 7q21.11.
Variant type: single nucleotide variant.
Coding change: c.1139A>T on transcript NM_001384900.1 (MANE Select); coding-DNA position 1139, A replaced by T.
Protein change: p.Asp380Val; replaces aspartic acid 380 with valine.
Molecular consequence: missense variant.
Genome position (GRCh38, 1-based): chr7:85,036,941, T>A on the plus strand (A>T on the coding strand, the complement: SEMA3D is on the minus strand). VCF-style: chr7-85036941-T-A. GRCh37 (hg19) VCF-style: chr7-84666257-T-A.
Other names: c.1139A>T, p.Asp380Val (NM_001384901.1, NM_001384902.1, NM_001384903.1 and 1 more transcripts); short protein forms D380V.
Identifiers: ClinVar variation 4980670 (VCV004980670.1).
Genomic context (GRCh38, chr7:85,036,941, plus strand): 5'-ATACATACTGTACCAGGCCGTGGATAAGGAATTCTCCCATCATACTGCACCCAACGATGG[T>A]CTGCACTTTCCTTATGAGCATATGGACCATTAAAAACTGCTCTGATGTCAGCCATGCTAT-3'
Protein context (NP_001371829.1, residues 370-390): NGPYAHKESA[Asp380Val]HRWVQYDGRI

ClinVar aggregate classification (germline): Uncertain significance (1 of 4 stars; one submission).

Conditions:
SEMA3D-related disorder. Also called: SEMA3D-related condition.

gnomAD v4.1: 1 of 1,613,420 alleles (0.000062%); highest among the groups gnomAD compares: Admixed American, 0.0017%; no homozygotes.

Submission:

PreventionGenetics, part of Exact Sciences
Classification: Uncertain significance for SEMA3D-related condition. Last evaluated: 2025-03-26. Review status: criteria provided, single submitter. Criteria: ACMG Guidelines, 2015. Collection method: clinical testing. Allele origin: germline.
Comment: The SEMA3D c.1139A>T variant is predicted to result in the amino acid substitution p.Asp380Val. To our knowledge, this variant has not been reported in the literature. This variant is reported in 0.0029% of alleles in individuals of Latino descent in gnomAD. At this time, the clinical significance of this variant is uncertain due to the absence of conclusive functional and genetic evidence.